The following is an entry in ClinVar:

NM_003060.4(SLC22A5):c.1459G>A (p.Asp487Asn)

Gene: SLC22A5 (solute carrier family 22 member 5; plus strand). Cytogenetic location: 5q31.1.
Variant type: single nucleotide variant.
Coding change: c.1459G>A on transcript NM_003060.4 (MANE Select); coding-DNA position 1459, G replaced by A.
Protein change: p.Asp487Asn; replaces aspartic acid 487 with asparagine.
Molecular consequence: missense variant.
Genome position (GRCh38, 1-based): chr5:132,393,684, G>A. VCF-style: chr5-132393684-G-A. GRCh37 (hg19) VCF-style: chr5-131729376-G-A.
Other names: c.1531G>A, p.Asp511Asn (NM_001308122.2); short protein forms D511N, D487N.
Identifiers: ClinVar variation 955636 (VCV000955636.8), dbSNP rs1752782020, ClinGen allele CA360809589.

ClinVar aggregate classification (germline): Uncertain significance. Review status: criteria provided, single submitter (1 of 4 stars). 2 submissions from 2 submitters: Uncertain significance (1). 1 of the submissions does not count toward it. Last evaluated 2022-03-09.

Conditions:
Carnitine deficiency. Identifiers: MedGen C1142132.
Renal carnitine transport defect (CDSP). Also called: Systemic primary carnitine deficiency disease; Primary carnitine deficiency; Carnitine transporter deficiency; Carnitine Deficiency, Systemic; CARNITINE DEFICIENCY, SYSTEMIC, DUE TO DEFECT IN RENAL REABSORPTION OF CARNITINE; CARNITINE TRANSPORTER, PLASMA-MEMBRANE, DEFICIENCY OF. Identifiers: Orphanet 158, MedGen C0342788, MONDO:0008919, OMIM 212140.

Submissions (2):

Labcorp Genetics (formerly Invitae), Labcorp
Classification: Uncertain significance for Renal carnitine transport defect. Last evaluated: 2022-03-09. Review status: criteria provided, single submitter. Criteria: Invitae Variant Classification Sherloc (09022015). Collection method: clinical testing. Allele origin: germline.
Comment: This sequence change replaces aspartic acid, which is acidic and polar, with asparagine, which is neutral and polar, at codon 487 of the SLC22A5 protein (p.Asp487Asn). This variant is not present in population databases (gnomAD no frequency). This variant has not been reported in the literature in individuals affected with SLC22A5-related conditions. ClinVar contains an entry for this variant (Variation ID: 955636). Advanced modeling of protein sequence and biophysical properties (such as structural, functional, and spatial information, amino acid conservation, physicochemical variation, residue mobility, and thermodynamic stability) performed at Invitae indicates that this missense variant is not expected to disrupt SLC22A5 protein function. In summary, the available evidence is currently insufficient to determine the role of this variant in disease. Therefore, it has been classified as a Variant of Uncertain Significance.

Natera, Inc.
Classification: Uncertain significance for Carnitine deficiency. Last evaluated: 2025-02-16. Review status: no assertion criteria provided. Collection method: clinical testing. Allele origin: germline. Not counted in ClinVar's aggregate classification.